The following is an entry in ClinVar:

ClinVar aggregate classification (germline): Uncertain significance (1 of 4 stars; one submission).

gnomAD v4.1: 21 of 1,613,834 alleles (0.0013%); highest among the groups gnomAD compares: Non-Finnish European, 0.0014%; no homozygotes.

Submission:

Labcorp Genetics (formerly Invitae), Labcorp
Classification: Uncertain significance. Last evaluated: 2026-01-18. Review status: criteria provided, single submitter. Criteria: Invitae Variant Classification Sherloc (09022015). Collection method: clinical testing. Allele origin: germline.
Comment: This sequence change replaces proline, which is neutral and non-polar, with leucine, which is neutral and non-polar, at codon 1208 of the ASXL1 protein (p.Pro1208Leu). This variant is present in population databases (rs746422436, gnomAD 0.004%). This variant has not been reported in the literature in individuals affected with ASXL1-related conditions. An algorithm developed to predict the effect of missense changes on protein structure and function outputs the following: PolyPhen-2: "Benign". The leucine amino acid residue is found in multiple mammalian species, which suggests that this missense change does not adversely affect protein function. In summary, the available evidence is currently insufficient to determine the role of this variant in disease. Therefore, it has been classified as a Variant of Uncertain Significance.

NM_015338.6(ASXL1):c.3623C>T (p.Pro1208Leu)

Gene: ASXL1 (ASXL transcriptional regulator 1; plus strand). Cytogenetic location: 20q11.21.
Variant type: single nucleotide variant.
Coding change: c.3623C>T on transcript NM_015338.6 (MANE Select); coding-DNA position 3623, C replaced by T.
Protein change: p.Pro1208Leu; replaces proline 1208 with leucine.
Molecular consequence: missense variant.
Genome position (GRCh38, 1-based): chr20:32,436,335, C>T. VCF-style: chr20-32436335-C-T. GRCh37 (hg19) VCF-style: chr20-31024138-C-T.
Other names: c.3440C>T, p.Pro1147Leu (NM_001363734.1); short protein forms P1208L, P1147L.
Identifiers: ClinVar variation 4702368 (VCV004702368.1).
Genomic context (GRCh38, chr20:32,436,335, plus strand): 5'-TTGCCAGGATTGAGGCCACCCAGGCTCCTGGAGCACCCCAAAAGAATTGCAAGGCAGTCC[C>T]AAGTTTTGACTCCCTCCATCCAGTGACAAATCCCATTACATCCTCTAGGAAACTGGAAGA-3'
Protein context (NP_056153.2, residues 1198-1218): GAPQKNCKAV[Pro1208Leu]SFDSLHPVTN